The following is an entry in ClinVar:

ClinVar aggregate classification (germline): Likely benign (1 of 4 stars; one submission).

Submission:

CeGaT Center for Human Genetics Tuebingen
Classification: Likely benign. Last evaluated: 2026-01-01. Review status: criteria provided, single submitter. Criteria: CeGaT Center For Human Genetics Tuebingen Variant Classification Criteria Version 2. Collection method: clinical testing. Allele origin: germline. Affected: yes. Observed: 1 variant allele.
Comment: ARID2: PM2:Supporting, BP4, BP7

NM_152641.4(ARID2):c.5358T>C (p.Gly1786=)

Gene: ARID2 (AT-rich interaction domain 2; plus strand). Cytogenetic location: 12q12.
Variant type: single nucleotide variant.
Coding change: c.5358T>C on transcript NM_152641.4 (MANE Select); coding-DNA position 5358, T replaced by C.
Protein change: p.Gly1786=; no amino-acid change (glycine 1786 retained).
Molecular consequence: synonymous variant.
Genome position (GRCh38, 1-based): chr12:45,893,716, T>C. VCF-style: chr12-45893716-T-C. GRCh37 (hg19) VCF-style: chr12-46287499-T-C.
Other names: c.5358T>C, p.Gly1786= (NM_001347839.2).
Identifiers: ClinVar variation 4822840 (VCV004822840.4).
Genomic context (GRCh38, chr12:45,893,716, plus strand): 5'-ACACATCCGACTAACAGCTGCCTTAATATTAAAAAATATTGGTAAATATTCAGAATGTGG[T>C]CGCAGGTGAGTAATATGTTTTCTGTAGCCAAAGTGAATTTAGTTTATTTTATTTTTACAT-3'
Protein context (NP_689854.2, residues 1776-1796): LKNIGKYSEC[Gly1786=]RRLLKRHENN